The following is an entry in ClinVar:

ClinVar aggregate classification (germline): Pathogenic (1 of 4 stars; one submission).

Conditions:
Cardiovascular phenotype. Identifiers: MedGen CN230736.
Hereditary cancer-predisposing syndrome. Also called: Tumor predisposition; Neoplastic Syndromes, Hereditary; Hereditary Cancer Syndrome; Hereditary neoplastic syndrome. Identifiers: Orphanet 140162, MedGen C0027672, MeSH D009386, MONDO:0015356.

Submission:

Ambry Genetics
Classification: Pathogenic for Cardiovascular phenotype; Hereditary cancer-predisposing syndrome. Last evaluated: 2025-03-05. Review status: criteria provided, single submitter. Criteria: Ambry Variant Classification Scheme 2023. Collection method: clinical testing. Allele origin: germline.
Comment: The c.2725dupG variant, located in coding exon 21 of the NF1 gene, results from a duplication of G at nucleotide position 2725, causing a translational frameshift with a predicted alternate stop codon (p.V909Gfs*10). This variant is considered to be rare based on population cohorts in the Genome Aggregation Database (gnomAD). This alteration is expected to result in loss of function by premature protein truncation or nonsense-mediated mRNA decay. As such, this alteration is interpreted as a disease-causing mutation.

NM_001042492.3(NF1):c.2725dup (p.Val909fs)

Gene: NF1 (neurofibromin 1; plus strand). Cytogenetic location: 17q11.2.
Variant type: Duplication.
Coding change: c.2725dup on transcript NM_001042492.3 (MANE Select); coding-DNA position 2725, one base duplicated (G; older notation c.2725dupG).
Protein change: p.Val909fs; shifts the reading frame from valine 909.
Molecular consequence: frameshift variant.
Genome position (GRCh38, 1-based): chr17:31,229,340, G duplicated. VCF-style (leftmost placement, unchanged base first): chr17-31229339-A-AG. GRCh37 (hg19) VCF-style: chr17-29556357-A-AG.
Other names: c.2725dupG (NM_000267.3); c.2725dup, p.Val909Glyfs (NM_000267.4); short protein forms V909fs.
Identifiers: ClinVar variation 3879119 (VCV003879119.1).